The following is an entry in ClinVar:

NM_006904.7(PRKDC):c.2434A>G (p.Asn812Asp)

Gene: PRKDC (protein kinase, DNA-activated, catalytic subunit; minus strand). Cytogenetic location: 8q11.21.
Variant type: single nucleotide variant.
Coding change: c.2434A>G on transcript NM_006904.7 (MANE Select); coding-DNA position 2434, A replaced by G.
Protein change: p.Asn812Asp; replaces asparagine 812 with aspartic acid.
Molecular consequence: missense variant.
Genome position (GRCh38, 1-based): chr8:47,918,369, T>C on the plus strand (A>G on the coding strand, the complement: PRKDC is on the minus strand). VCF-style: chr8-47918369-T-C. GRCh37 (hg19) VCF-style: chr8-48830929-T-C.
Other names: c.2434A>G, p.Asn812Asp (NM_001081640.2); short protein forms N812D.
Identifiers: ClinVar variation 3425321 (VCV003425321.1).

ClinVar aggregate classification (germline): Uncertain significance (1 of 4 stars; one submission).

gnomAD v4.1: 2 of 1,581,986 alleles (0.00013%); highest among the groups gnomAD compares: South Asian, 0.0012%; no homozygotes.

Submission:

Ambry Genetics
Classification: Uncertain significance. Last evaluated: 2024-09-05. Review status: criteria provided, single submitter. Criteria: Ambry Variant Classification Scheme 2023. Collection method: clinical testing. Allele origin: germline.
Comment: The p.N812D variant (also known as c.2434A>G), located in coding exon 22 of the PRKDC gene, results from an A to G substitution at nucleotide position 2434. The asparagine at codon 812 is replaced by aspartic acid, an amino acid with highly similar properties. This amino acid position is conserved. In addition, this alteration is predicted to be tolerated by in silico analysis. Based on the available evidence, the clinical significance of this variant remains unclear.